The following is an entry in ClinVar:

ClinVar aggregate classification (germline): Uncertain significance (1 of 4 stars; one submission).

Conditions:
Neonatal encephalomyopathy-cardiomyopathy-respiratory distress syndrome. Also called: Coenzyme Q10 deficiency, primary, 7. Identifiers: Orphanet 457185, MedGen C5568562, MONDO:0014562, OMIM 616276.

Submission:

Labcorp Genetics (formerly Invitae), Labcorp
Classification: Uncertain significance for Neonatal encephalomyopathy-cardiomyopathy-respiratory distress syndrome. Last evaluated: 2022-01-27. Review status: criteria provided, single submitter. Criteria: Invitae Variant Classification Sherloc (09022015). Collection method: clinical testing. Allele origin: germline.
Comment: This sequence change affects codon 100 of the COQ4 mRNA. It is a 'silent' change, meaning that it does not change the encoded amino acid sequence of the COQ4 protein. It affects a nucleotide within the consensus splice site. This variant is not present in population databases (gnomAD no frequency). This variant has not been reported in the literature in individuals affected with COQ4-related conditions. Algorithms developed to predict the effect of sequence changes on RNA splicing suggest that this variant is not likely to affect RNA splicing. In summary, the available evidence is currently insufficient to determine the role of this variant in disease. Therefore, it has been classified as a Variant of Uncertain Significance.

NM_016035.5(COQ4):c.300G>A (p.Gln100=)

Gene: COQ4 (coenzyme Q4; plus strand). Cytogenetic location: 9q34.11.
Variant type: single nucleotide variant.
Coding change: c.300G>A on transcript NM_016035.5 (MANE Select); coding-DNA position 300, G replaced by A.
Protein change: p.Gln100=; no amino-acid change (glutamine 100 retained).
Molecular consequence: synonymous variant. On other transcripts: missense variant (1).
Genome position (GRCh38, 1-based): chr9:128,325,779, G>A. VCF-style: chr9-128325779-G-A. GRCh37 (hg19) VCF-style: chr9-131088058-G-A.
Other names: c.203G>A, p.Gly68Glu (NM_001305942.2); short protein forms G68E.
Identifiers: ClinVar variation 2063203 (VCV002063203.4), dbSNP rs2539416318, ClinGen allele CA467273902.
Genomic context (GRCh38, chr9:128,325,779, plus strand): 5'-AGTTGGATCGTTCACCTACCTTTGCCCACACCCTCCCAATGCCCAAGTCTTGCCTTTCAG[G>A]GAGCGTCCCCGGATTTCGACATCCACCCTCGACCTGGGCAAGCTCCAGAGCCTGCCGGAA-3'
Protein context (NP_057119.3, residues 90-110): RRDPEGAQIL[Gln100=]ERPRISTSTL